The following is an entry in ClinVar:

ClinVar aggregate classification (germline): Uncertain significance (1 of 4 stars; one submission).

Conditions:
Osteogenesis imperfecta type I (OI1). Also called: OI, TYPE I; OSTEOGENESIS IMPERFECTA TARDA; OSTEOGENESIS IMPERFECTA WITH BLUE SCLERAE; Lobstein's Disease; Classic Non-deforming Osteogenesis Imperfecta with Blue Sclerae; Lobstein disease. Identifiers: Orphanet 216796, Orphanet 666, MedGen C0023931, MONDO:0008146, OMIM 166200. Disease mechanism: loss of function.

Allele frequency attached by ClinVar (database versions not stated): gnomAD exomes 0.00001.
gnomAD v4.1: 8 of 1,614,104 alleles (0.0005%); highest among the groups gnomAD compares: Non-Finnish European, 0.00068%; no homozygotes.

Submission:

Labcorp Genetics (formerly Invitae), Labcorp
Classification: Uncertain significance for Osteogenesis imperfecta type I. Last evaluated: 2022-06-12. Review status: criteria provided, single submitter. Criteria: Invitae Variant Classification Sherloc (09022015). Collection method: clinical testing. Allele origin: germline.
Comment: In summary, the available evidence is currently insufficient to determine the role of this variant in disease. Therefore, it has been classified as a Variant of Uncertain Significance. Advanced modeling of protein sequence and biophysical properties (such as structural, functional, and spatial information, amino acid conservation, physicochemical variation, residue mobility, and thermodynamic stability) performed at Invitae indicates that this missense variant is not expected to disrupt COL1A1 protein function. This variant has not been reported in the literature in individuals affected with COL1A1-related conditions. This variant is not present in population databases (gnomAD no frequency). This sequence change replaces valine, which is neutral and non-polar, with alanine, which is neutral and non-polar, at codon 579 of the COL1A1 protein (p.Val579Ala).

NM_000088.4(COL1A1):c.1736T>C (p.Val579Ala)

Gene: COL1A1 (collagen type I alpha 1 chain; minus strand). Cytogenetic location: 17q21.33.
Variant type: single nucleotide variant.
Coding change: c.1736T>C on transcript NM_000088.4 (MANE Select); coding-DNA position 1736, T replaced by C.
Protein change: p.Val579Ala; replaces valine 579 with alanine.
Molecular consequence: missense variant.
Genome position (GRCh38, 1-based): chr17:50,193,974, A>G on the plus strand (T>C on the coding strand, the complement: COL1A1 is on the minus strand). VCF-style: chr17-50193974-A-G. GRCh37 (hg19) VCF-style: chr17-48271335-A-G.
Other names: short protein forms V579A.
Identifiers: ClinVar variation 1965475 (VCV001965475.5), dbSNP rs2509215221, ClinGen allele CA400215261.